The following is an entry in ClinVar:

NM_016194.4(GNB5):c.348_352del (p.Asp116fs)

Gene: GNB5 (G protein subunit beta 5; minus strand). Cytogenetic location: 15q21.2.
Variant type: Deletion.
Coding change: c.348_352del on transcript NM_016194.4 (MANE Select); coding-DNA positions 348 to 352, 5 bases deleted (TAAGA; older notation c.348_352delTAAGA).
Protein change: p.Asp116fs; shifts the reading frame from aspartic acid 116.
Molecular consequence: frameshift variant.
Genome position (GRCh38, 1-based): chr15:52,153,963-52,153,967, TCTTA deleted on the plus strand (TAAGA on the coding strand, the reverse complement: GNB5 is on the minus strand); deleting any 5 consecutive bases within chr15:52,153,963-52,153,971 gives the same sequence; the c. name uses the placement nearest the transcript's 3' end. VCF-style (leftmost placement, unchanged base first): chr15-52153962-CTCTTA-C. GRCh37 (hg19) VCF-style: chr15-52446159-CTCTTA-C.
Other names: c.66_70del, p.Asp22fs (NM_001379343.1); c.222_226del, p.Asp74fs (NM_006578.4); c.348_352delTAAGA (NM_016194.4, NM_016194.3); short protein forms D116fs, D74fs, D22fs.
Identifiers: ClinVar variation 426541 (VCV000426541.10), dbSNP rs1085307675, ClinGen allele CA645293893.

ClinVar aggregate classification (germline): Pathogenic. Review status: criteria provided, single submitter (1 of 4 stars). 4 submissions from 3 submitters: Pathogenic (1). 3 of the submissions do not count toward it. Last evaluated 2025-05-08.

Conditions:
LODDER-MERLA SYNDROME, TYPE 2, WITH DEVELOPMENTAL DELAY AND CARDIAC ARRHYTHMIA.
Lodder-Merla syndrome, type 1, with impaired intellectual development and cardiac arrhythmia. Also called: Gnb5-related intellectual disability-cardiac arrhythmia syndrome; Intellectual developmental disorder with cardiac arrhythmia. Identifiers: Orphanet 542306, MedGen C5568877, MONDO:0014953, OMIM 617173.
Language delay and attention deficit-hyperactivity disorder/cognitive impairment with or without cardiac arrhythmia (LDMLS2). Also called: LODDER-MERLA SYNDROME, TYPE 2, WITH DEVELOPMENTAL DELAY AND WITH OR WITHOUT CARDIAC ARRHYTHMIA. Identifiers: MedGen C4310678, MONDO:0014957, OMIM 617182.

Submissions (4):

GeneDx
Classification: Pathogenic. Last evaluated: 2025-05-08. Review status: criteria provided, single submitter. Criteria: GeneDx Variant Classification Process June 2021. Collection method: clinical testing. Allele origin: germline. Affected: yes.
Comment: Identified with a pathogenic or likely pathogenic variant on the opposite allele in multiple unrelated patients with clinical features consistent with GNB5-related neurodevelopmental disorder in the literature (PMID: 30631341, 29368331); Frameshift variant predicted to result in protein truncation or nonsense mediated decay in a gene for which loss of function is a known mechanism of disease; Not observed at significant frequency in large population cohorts (gnomAD); This variant is associated with the following publications: (PMID: 35982159, 33057194, 29368331, 30631341)

OMIM
Classification: Pathogenic for LODDER-MERLA SYNDROME, TYPE 1, WITH IMPAIRED INTELLECTUAL DEVELOPMENT AND CARDIAC ARRHYTHMIA. Last evaluated: 2023-08-17. Review status: no assertion criteria provided. Collection method: literature only. Allele origin: germline. Not counted in ClinVar's aggregate classification.

OMIM
Classification: Pathogenic for LODDER-MERLA SYNDROME, TYPE 2, WITH DEVELOPMENTAL DELAY AND CARDIAC ARRHYTHMIA. Last evaluated: 2023-08-17. Review status: no assertion criteria provided. Collection method: literature only. Allele origin: germline. Not counted in ClinVar's aggregate classification.

GeneReviews
No classification provided. Condition: Lodder-Merla syndrome, type 1, with impaired intellectual development and cardiac arrhythmia. Review status: no classification provided. Collection method: literature only. Allele origin: germline. Not counted in ClinVar's aggregate classification.
Comment: Recurrent variant reported in 2 northern European families [Malerba et al 2018, Vernon et al 2018]

Literature cited by the submitters: PubMed 29368331 (cited by OMIM and GeneReviews); PubMed 30631341 (cited by OMIM and GeneReviews).